The following is an entry in ClinVar:

ClinVar aggregate classification (germline): Uncertain significance. Review status: criteria provided, multiple submitters, no conflicts (2 of 4 stars). 2 submissions from 2 submitters: Uncertain significance (2). Last evaluated 2022-02-12.

Conditions:
Interstitial lung disease 2 (ILD2). Also called: FIBROCYSTIC PULMONARY DYSPLASIA; FIBROSING ALVEOLITIS, CRYPTOGENIC; Familial idiopathic pulmonary fibrosis. Identifiers: Orphanet 2032, Orphanet 79126, MedGen C5561926, MONDO:0800497, OMIM 178500, MONDO:0800029.
Dyskeratosis congenita, autosomal dominant 2. Identifiers: MedGen C3151443, MONDO:0013521, OMIM 613989.
Dyskeratosis congenita. Identifiers: Orphanet 1775, MedGen C0265965, MONDO:0015780.

Allele frequency attached by ClinVar (database versions not stated): gnomAD exomes below 0.00001.
gnomAD v4.1: 4 of 1,613,498 alleles (0.00025%); highest among the groups gnomAD compares: Non-Finnish European, 0.00034%; no homozygotes.

Submissions (2):

Ambry Genetics
Classification: Uncertain significance for Dyskeratosis congenita. Last evaluated: 2022-02-12. Review status: criteria provided, single submitter. Criteria: Ambry Variant Classification Scheme 2023. Collection method: clinical testing. Allele origin: germline.
Comment: The p.C842Y variant (also known as c.2525G>A), located in coding exon 9 of the TERT gene, results from a G to A substitution at nucleotide position 2525. The cysteine at codon 842 is replaced by tyrosine, an amino acid with highly dissimilar properties. This amino acid position is conserved. In addition, this alteration is predicted to be deleterious by in silico analysis. Since supporting evidence is limited at this time, the clinical significance of this alteration remains unclear.

Labcorp Genetics (formerly Invitae), Labcorp
Classification: Uncertain significance for Dyskeratosis congenita, autosomal dominant, 2; Idiopathic fibrosing alveolitis, chronic form. Last evaluated: 2019-10-22. Review status: criteria provided, single submitter. Criteria: Invitae Variant Classification Sherloc (09022015). Collection method: clinical testing. Allele origin: germline.
Comment: This sequence change replaces cysteine with tyrosine at codon 842 of the TERT protein (p.Cys842Tyr). The cysteine residue is highly conserved and there is a large physicochemical difference between cysteine and tyrosine. This variant is not present in population databases (ExAC no frequency). This variant has not been reported in the literature in individuals with TERT-related conditions. Algorithms developed to predict the effect of missense changes on protein structure and function are either unavailable or do not agree on the potential impact of this missense change (SIFT: "Deleterious"; PolyPhen-2: "Probably Damaging"; Align-GVGD: "Class C0"). In summary, the available evidence is currently insufficient to determine the role of this variant in disease. Therefore, it has been classified as a Variant of Uncertain Significance.

NM_198253.3(TERT):c.2525G>A (p.Cys842Tyr)

Gene: TERT (telomerase reverse transcriptase; minus strand). Cytogenetic location: 5p15.33.
Variant type: single nucleotide variant.
Coding change: c.2525G>A on transcript NM_198253.3 (MANE Select); coding-DNA position 2525, G replaced by A.
Protein change: p.Cys842Tyr; replaces cysteine 842 with tyrosine.
Molecular consequence: missense variant. On other transcripts: non-coding transcript variant (2).
Genome position (GRCh38, 1-based): chr5:1,268,577, C>T on the plus strand (G>A on the coding strand, the complement: TERT is on the minus strand). VCF-style: chr5-1268577-C-T. GRCh37 (hg19) VCF-style: chr5-1268692-C-T.
Other names: c.2525G>A, p.Cys842Tyr (NM_001193376.3); short protein forms C842Y.
Identifiers: ClinVar variation 963400 (VCV000963400.3), dbSNP rs1748789851, ClinGen allele CA359074692.
Genomic context (GRCh38, chr5:1,268,577, plus strand): 5'-CACCCGTCCCGCCGAATCCCCGCAAACAGCTTGTTCTCCATGTCGCCGTAGCACAGGCTG[C>T]AGAGCAGCGTGGAGAGGATGGAGCCCTGCGGGATCCCCTGGCACTGGACGTAGGACCTGG-3'
Protein context (NP_937983.2, residues 832-852): PQGSILSTLL[Cys842Tyr]SLCYGDMENK